The following is an entry in ClinVar:

ClinVar aggregate classification (germline): Uncertain significance (1 of 4 stars; one submission).

Allele frequency attached by ClinVar (database versions not stated): gnomAD exomes below 0.00001; ExAC 0.00001; TOPMed 0.00002.
gnomAD v4.1: 5 of 1,608,608 alleles (0.00031%); highest among the groups gnomAD compares: African/African-American, 0.0054%; no homozygotes.

Submission:

Labcorp Genetics (formerly Invitae), Labcorp
Classification: Uncertain significance. Last evaluated: 2023-10-23. Review status: criteria provided, single submitter. Criteria: Invitae Variant Classification Sherloc (09022015). Collection method: clinical testing. Allele origin: germline.
Comment: This sequence change replaces phenylalanine, which is neutral and non-polar, with tyrosine, which is neutral and polar, at codon 331 of the ITSN2 protein (p.Phe331Tyr). This variant is present in population databases (rs778271349, gnomAD 0.008%). This variant has not been reported in the literature in individuals affected with ITSN2-related conditions. An algorithm developed to predict the effect of missense changes on protein structure and function (PolyPhen-2) suggests that this variant is likely to be disruptive. In summary, the available evidence is currently insufficient to determine the role of this variant in disease. Therefore, it has been classified as a Variant of Uncertain Significance.

NM_006277.3(ITSN2):c.992T>A (p.Phe331Tyr)

Gene: ITSN2 (intersectin 2; minus strand). Cytogenetic location: 2p23.3.
Variant type: single nucleotide variant.
Coding change: c.992T>A on transcript NM_006277.3 (MANE Select); coding-DNA position 992, T replaced by A.
Protein change: p.Phe331Tyr; replaces phenylalanine 331 with tyrosine.
Molecular consequence: missense variant.
Genome position (GRCh38, 1-based): chr2:24,301,968, A>T on the plus strand (T>A on the coding strand, the complement: ITSN2 is on the minus strand). VCF-style: chr2-24301968-A-T. GRCh37 (hg19) VCF-style: chr2-24524837-A-T.
Other names: c.950T>A, p.Phe317Tyr (NM_001348181.2, NM_001348184.2); c.992T>A, p.Phe331Tyr (NM_001348182.2, NM_001348183.2, NM_001348185.2 and 3 more transcripts); short protein forms F331Y, F317Y.
Identifiers: ClinVar variation 2769551 (VCV002769551.3), dbSNP rs778271349, ClinGen allele CA1551602.